The following is an entry in ClinVar:

NM_031935.3(HMCN1):c.5171A>G (p.Lys1724Arg)

Gene: HMCN1 (hemicentin 1; plus strand). Cytogenetic location: 1q31.1.
Variant type: single nucleotide variant.
Coding change: c.5171A>G on transcript NM_031935.3 (MANE Select); coding-DNA position 5171, A replaced by G.
Protein change: p.Lys1724Arg; replaces lysine 1724 with arginine.
Molecular consequence: missense variant.
Genome position (GRCh38, 1-based): chr1:186,016,219, A>G. VCF-style: chr1-186016219-A-G. GRCh37 (hg19) VCF-style: chr1-185985351-A-G.
Other names: short protein forms K1724R.
Identifiers: ClinVar variation 1360434 (VCV001360434.6), dbSNP rs540910084, ClinGen allele CA33454342.

ClinVar aggregate classification (germline): Uncertain significance (1 of 4 stars; one submission).

Allele frequency attached by ClinVar (database versions not stated): TOPMed below 0.00001; gnomAD 0.00001; 1000 Genomes Project 30x 0.00016; 1000 Genomes Project 0.00020.
gnomAD v4.1: 1 of 1,613,046 alleles (0.000062%); highest among the groups gnomAD compares: East Asian, 0.0022%; no homozygotes.

Submission:

Labcorp Genetics (formerly Invitae), Labcorp
Classification: Uncertain significance. Last evaluated: 2023-06-26. Review status: criteria provided, single submitter. Criteria: Invitae Variant Classification Sherloc (09022015). Collection method: clinical testing. Allele origin: germline.
Comment: Algorithms developed to predict the effect of missense changes on protein structure and function output the following: SIFT: "Not Available"; PolyPhen-2: "Benign"; Align-GVGD: "Not Available". The arginine amino acid residue is found in multiple mammalian species, which suggests that this missense change does not adversely affect protein function. In summary, the available evidence is currently insufficient to determine the role of this variant in disease. Therefore, it has been classified as a Variant of Uncertain Significance. ClinVar contains an entry for this variant (Variation ID: 1360434). This variant has not been reported in the literature in individuals affected with HMCN1-related conditions. This variant is not present in population databases (gnomAD no frequency). This sequence change replaces lysine, which is basic and polar, with arginine, which is basic and polar, at codon 1724 of the HMCN1 protein (p.Lys1724Arg).